The following is an entry in ClinVar:

NM_000488.4(SERPINC1):c.1190C>G (p.Ser397Ter)

Gene: SERPINC1 (serpin family C member 1; minus strand). Cytogenetic location: 1q25.1.
Variant type: single nucleotide variant.
Coding change: c.1190C>G on transcript NM_000488.4 (MANE Select); coding-DNA position 1190, C replaced by G.
Protein change: p.Ser397Ter; replaces serine 397 with a stop codon.
Molecular consequence: nonsense.
Genome position (GRCh38, 1-based): chr1:173,907,478, G>C on the plus strand (C>G on the coding strand, the complement: SERPINC1 is on the minus strand). VCF-style: chr1-173907478-G-C. GRCh37 (hg19) VCF-style: chr1-173876616-G-C.
Other names: NM_000488.4(SERPINC1):c.1190C>G; p.Ser397Ter; c.1046C>G, p.Ser349Ter (NM_001365052.2); c.1313C>G, p.Ser438Ter (NM_001386302.1); c.1271C>G, p.Ser424Ter (NM_001386303.1); c.1169C>G, p.Ser390Ter (NM_001386304.1); c.1133C>G, p.Ser378Ter (NM_001386305.1); c.974C>G, p.Ser325Ter (NM_001386306.1); short protein forms S325*, S349*, S378*, S390*, S397*, S424*, S438*.
Identifiers: ClinVar variation 1068471 (VCV001068471.7), dbSNP rs2102778910, ClinGen allele CA343772780.

ClinVar aggregate classification (germline): Likely pathogenic. Review status: reviewed by expert panel (3 of 4 stars). 2 submissions from 2 submitters: Likely pathogenic (1). 1 of the submissions does not count toward it. Last evaluated 2025-10-21.

Conditions:
Hereditary antithrombin deficiency (AT3D). Also called: Antithrombin III deficiency; Thrombophilia due to antithrombin III deficiency; Reduced antithrombin III activity; Antithrombin deficiency. Identifiers: Orphanet 82, MedGen C0272375, MONDO:0013144, OMIM 613118, HP:0001976.

Submissions (2):

Clingen Thrombosis Variant Curation Expert Panel, ClinGen
Classification: Likely pathogenic for Hereditary antithrombin deficiency. Last evaluated: 2025-10-21. Review status: reviewed by expert panel. Criteria: ClinGen ACMG Specifications SERPINC1 V1.0.0. Collection method: curation. Allele origin: germline. Inheritance: Autosomal dominant inheritance.
Comment: The c.1190C>G; p.Ser397Ter variant in SERPINC1 is a nonsense variant that may cause loss of function of the protein, however it is predicted to escape nonsense mediated decay and remove >10% of the protein (PVS1_Strong). This variant has been reported in one proband meeting an antithrombin activity level of < 0.8 IU/mL without confirmation of repeated independent samples tested, but has a family history of antithrombin activity levels of < 0.8 IU/mL (PS4_Supporting; PMID:11307839). The variant has been reported to segregate with hereditary antithrombin deficiency in two affected family members from one family (PP1; PMID:11307839). This variant is absent from gnomAD v4.1.0 (PM2_Supporting). In summary, this variant meets the criteria to be classified as likely pathogenic for autosomal dominant hereditary antithrombin deficiency based on the ACMG/AMP criteria applied, as specified by the ClinGen Thrombosis VCEP: PVS1_Strong, PP1, PS4_Supporting, PM2_Supporting

Labcorp Genetics (formerly Invitae), Labcorp
Classification: Pathogenic for Hereditary antithrombin deficiency. Last evaluated: 2020-10-15. Review status: criteria provided, single submitter. Criteria: Invitae Variant Classification Sherloc (09022015). Collection method: clinical testing. Allele origin: germline. Not counted in ClinVar's aggregate classification.
Comment: For these reasons, this variant has been classified as Pathogenic. This variant disrupts the p.Pro439 amino acid residue in SERPINC1. Other variant(s) that disrupt this residue have been determined to be pathogenic (PMID: 16705712, 23910795, 3191114, 1469094, 28300866). This suggests that this residue is clinically significant, and that variants that disrupt this residue are likely to be disease-causing. This variant has been observed in individual(s) with autosomal dominant antithrombin III deficiency (PMID: 11307839, Invitae). It has also been observed to segregate with disease in related individuals. This variant is not present in population databases (ExAC no frequency). This sequence change creates a premature translational stop signal (p.Ser397*) in the SERPINC1 gene. While this is not anticipated to result in nonsense mediated decay, it is expected to disrupt the last 68 amino acid(s) of the SERPINC1 protein.

Literature cited by the submitters: PubMed 16705712 (cited by Labcorp Genetics (formerly Invitae), Labcorp); PubMed 23910795 (cited by Labcorp Genetics (formerly Invitae), Labcorp); PubMed 3191114 (cited by Labcorp Genetics (formerly Invitae), Labcorp); PubMed 1469094 (cited by Labcorp Genetics (formerly Invitae), Labcorp); PubMed 28300866 (cited by Labcorp Genetics (formerly Invitae), Labcorp); PubMed 11307839 (cited by Labcorp Genetics (formerly Invitae), Labcorp).